The following is an entry in ClinVar:

NM_177531.6(PKHD1L1):c.365C>G (p.Thr122Arg)

Gene: PKHD1L1 (PKHD1 like 1; plus strand). Cytogenetic location: 8q23.1.
Variant type: single nucleotide variant.
Coding change: c.365C>G on transcript NM_177531.6 (MANE Select); coding-DNA position 365, C replaced by G.
Protein change: p.Thr122Arg; replaces threonine 122 with arginine.
Molecular consequence: missense variant.
Genome position (GRCh38, 1-based): chr8:109,382,519, C>G. VCF-style: chr8-109382519-C-G. GRCh37 (hg19) VCF-style: chr8-110394748-C-G.
Other names: short protein forms T122R.
Identifiers: ClinVar variation 4985244 (VCV004985244.1).

ClinVar aggregate classification (germline): Uncertain significance (1 of 4 stars; one submission).

Conditions:
PKHD1L1-related disorder. Also called: PKHD1L1-related condition.

gnomAD v4.1: 1,925 of 1,612,406 alleles (0.12%); highest among the groups gnomAD compares: Non-Finnish European, 0.16%; 2 homozygotes.

Submission:

PreventionGenetics, part of Exact Sciences
Classification: Uncertain significance for PKHD1L1-related condition. Last evaluated: 2025-06-20. Review status: criteria provided, single submitter. Criteria: ACMG Guidelines, 2015. Collection method: clinical testing. Allele origin: germline.
Comment: The PKHD1L1 c.365C>G variant is predicted to result in the amino acid substitution p.Thr122Arg. To our knowledge, this variant has not been reported in the literature. This variant is reported in 0.12% of alleles in individuals of European (Non-Finnish) descent in gnomAD. Although we suspect that this variant may be benign, at this time, the clinical significance of this variant is uncertain due to the absence of conclusive functional and genetic evidence.